The following is an entry in ClinVar:

NM_006766.5(KAT6A):c.4133C>T (p.Pro1378Leu)

Gene: KAT6A (lysine acetyltransferase 6A; minus strand). Cytogenetic location: 8p11.21.
Variant type: single nucleotide variant.
Coding change: c.4133C>T on transcript NM_006766.5 (MANE Select); coding-DNA position 4133, C replaced by T.
Protein change: p.Pro1378Leu; replaces proline 1378 with leucine.
Molecular consequence: missense variant.
Genome position (GRCh38, 1-based): chr8:41,934,087, G>A on the plus strand (C>T on the coding strand, the complement: KAT6A is on the minus strand). VCF-style: chr8-41934087-G-A. GRCh37 (hg19) VCF-style: chr8-41791605-G-A.
Other names: short protein forms P1378L.
Identifiers: ClinVar variation 3630535 (VCV003630535.2).

ClinVar aggregate classification (germline): Uncertain significance (1 of 4 stars; one submission).

gnomAD v4.1: 15 of 1,614,158 alleles (0.00093%); highest among the groups gnomAD compares: Non-Finnish European, 0.0013%; no homozygotes.

Submission:

Labcorp Genetics (formerly Invitae), Labcorp
Classification: Uncertain significance. Last evaluated: 2025-01-30. Review status: criteria provided, single submitter. Criteria: Invitae Variant Classification Sherloc (09022015). Collection method: clinical testing. Allele origin: germline.
Comment: This sequence change replaces proline, which is neutral and non-polar, with leucine, which is neutral and non-polar, at codon 1378 of the KAT6A protein (p.Pro1378Leu). This variant is not present in population databases (gnomAD no frequency). This variant has not been reported in the literature in individuals affected with KAT6A-related conditions. Invitae Evidence Modeling of protein sequence and biophysical properties (such as structural, functional, and spatial information, amino acid conservation, physicochemical variation, residue mobility, and thermodynamic stability) indicates that this missense variant is not expected to disrupt KAT6A protein function with a negative predictive value of 95%. In summary, the available evidence is currently insufficient to determine the role of this variant in disease. Therefore, it has been classified as a Variant of Uncertain Significance.